The following is an entry in ClinVar:

ClinVar aggregate classification (germline): Uncertain significance (1 of 4 stars; one submission).

Submission:

GeneDx
Classification: Uncertain significance. Last evaluated: 2026-04-02. Review status: criteria provided, single submitter. Criteria: GeneDx Variant Classification Process June 2021. Collection method: clinical testing. Allele origin: germline.
Comment: Not observed at significant frequency in large population cohorts (gnomAD); In silico analysis supports that this missense variant has a deleterious effect on protein structure/function; Has not been previously published as pathogenic or benign to our knowledge

NM_080680.3(COL11A2):c.3913C>T (p.Pro1305Ser)

Gene: COL11A2 (collagen type XI alpha 2 chain; minus strand). Cytogenetic location: 6p21.32.
Variant type: single nucleotide variant.
Coding change: c.3913C>T on transcript NM_080680.3 (MANE Select); coding-DNA position 3913, C replaced by T.
Protein change: p.Pro1305Ser; replaces proline 1305 with serine.
Molecular consequence: missense variant.
Genome position (GRCh38, 1-based): chr6:33,168,566, G>A on the plus strand (C>T on the coding strand, the complement: COL11A2 is on the minus strand). VCF-style: chr6-33168566-G-A. GRCh37 (hg19) VCF-style: chr6-33136343-G-A.
Other names: c.3733C>T, p.Pro1245Ser (NM_001424108.1); c.3067C>T, p.Pro1023Ser (NM_001424109.1); c.2887C>T, p.Pro963Ser (NM_001424110.1, NM_001424111.1); c.1867C>T, p.Pro623Ser (NM_001424112.1); c.3592C>T, p.Pro1198Ser (NM_080679.3); c.3655C>T, p.Pro1219Ser (NM_080681.3); short protein forms P1023S, P1198S, P1219S, P1245S, P1305S, P623S, P963S.
Identifiers: ClinVar variation 5018169 (VCV005018169.1).